The following is an entry in ClinVar:

ClinVar aggregate classification (germline): Conflicting classifications of pathogenicity. Review status: criteria provided, conflicting classifications (1 of 4 stars). 4 submissions from 4 submitters: Uncertain significance (3); Likely benign (1). Last evaluated 2025-05-27.

Conditions:
Rubinstein-Taybi syndrome due to CREBBP mutations (RSTS1). Also called: CREBBP-Related Rubinstein-Taybi Syndrome; Rubinstein-Taybi syndrome 1; BROAD THUMBS AND GREAT TOES, CHARACTERISTIC FACIES, AND IMPAIRED INTELLECTUAL DEVELOPMENT; RUBINSTEIN SYNDROME; RUBINSTEIN-TAYBI SYNDROME 1, INCOMPLETE; BROAD THUMB-HALLUX SYNDROME. Identifiers: Orphanet 353277, Orphanet 783, MedGen C4551859, MONDO:0008393, OMIM 180849.
Menke-Hennekam syndrome 1 (MKHK1). Identifiers: MedGen C5193034, MONDO:0020763, OMIM 618332.
Inborn genetic diseases. Identifiers: MedGen C0950123, MeSH D030342.
Rubinstein-Taybi syndrome (RSTS). Identifiers: Orphanet 783, MedGen C0035934, MONDO:0019188.
CREBBP-related disorder. Also called: CREBBP-related condition; CREBBP-related disorders.

Allele frequency attached by ClinVar (database versions not stated): ExAC 0.00002; gnomAD 0.00003.
gnomAD v4.1: 84 of 1,613,806 alleles (0.0052%); highest among the groups gnomAD compares: Non-Finnish European, 0.0067%; no homozygotes.

Submissions (4):

PreventionGenetics, part of Exact Sciences
Classification: Uncertain significance for CREBBP-related condition. Last evaluated: 2025-05-27. Review status: criteria provided, single submitter. Criteria: ACMG Guidelines, 2015. Collection method: clinical testing. Allele origin: germline.
Comment: The CREBBP c.2810C>T variant is predicted to result in the amino acid substitution p.Pro937Leu. To our knowledge, this variant has not been reported in the literature. This variant is reported in 0.0054% of alleles in individuals of European (Non-Finnish) descent in gnomAD. Although we suspect that this variant may be benign, at this time, the clinical significance of this variant is uncertain due to the absence of conclusive functional and genetic evidence.

Labcorp Genetics (formerly Invitae), Labcorp
Classification: Uncertain significance for Rubinstein-Taybi syndrome. Last evaluated: 2024-09-16. Review status: criteria provided, single submitter. Criteria: Invitae Variant Classification Sherloc (09022015). Collection method: clinical testing. Allele origin: germline.
Comment: This sequence change replaces proline, which is neutral and non-polar, with leucine, which is neutral and non-polar, at codon 937 of the CREBBP protein (p.Pro937Leu). This variant is present in population databases (rs766849648, gnomAD 0.006%). This variant has not been reported in the literature in individuals affected with CREBBP-related conditions. ClinVar contains an entry for this variant (Variation ID: 1796328). Invitae Evidence Modeling of protein sequence and biophysical properties (such as structural, functional, and spatial information, amino acid conservation, physicochemical variation, residue mobility, and thermodynamic stability) has been performed for this missense variant. However, the output from this modeling did not meet the statistical confidence thresholds required to predict the impact of this variant on CREBBP protein function. In summary, the available evidence is currently insufficient to determine the role of this variant in disease. Therefore, it has been classified as a Variant of Uncertain Significance.

Fulgent Genetics
Classification: Likely benign for Rubinstein-Taybi syndrome due to CREBBP mutations; Menke-Hennekam syndrome 1. Last evaluated: 2024-02-08. Review status: criteria provided, single submitter. Criteria: ACMG Guidelines, 2015. Collection method: clinical testing. Allele origin: germline.

Ambry Genetics
Classification: Uncertain significance for Inborn genetic diseases. Last evaluated: 2017-09-06. Review status: criteria provided, single submitter. Criteria: Ambry Variant Classification Scheme 2023. Collection method: clinical testing. Allele origin: germline.
Comment: The p.P937L variant (also known as c.2810C>T), located in coding exon 14 of the CREBBP gene, results from a C to T substitution at nucleotide position 2810. The proline at codon 937 is replaced by leucine, an amino acid with similar properties. This amino acid position is not well conserved in available vertebrate species. In addition, this alteration is predicted to be tolerated by in silico analysis. Since supporting evidence is limited at this time, the clinical significance of this alteration remains unclear.

NM_004380.3(CREBBP):c.2810C>T (p.Pro937Leu)

Gene: CREBBP (CREB binding lysine acetyltransferase; minus strand). Cytogenetic location: 16p13.3.
Variant type: single nucleotide variant.
Coding change: c.2810C>T on transcript NM_004380.3 (MANE Select); coding-DNA position 2810, C replaced by T.
Protein change: p.Pro937Leu; replaces proline 937 with leucine.
Molecular consequence: missense variant.
Genome position (GRCh38, 1-based): chr16:3,770,640, G>A on the plus strand (C>T on the coding strand, the complement: CREBBP is on the minus strand). VCF-style: chr16-3770640-G-A. GRCh37 (hg19) VCF-style: chr16-3820641-G-A.
Other names: c.2696C>T, p.Pro899Leu (NM_001079846.1); short protein forms P899L, P937L.
Identifiers: ClinVar variation 1796328 (VCV001796328.6), dbSNP rs766849648, ClinGen allele CA7870037.